The following is an entry in ClinVar:

NM_020223.4(FAM20C):c.499C>G (p.His167Asp)

Gene: FAM20C (FAM20C golgi associated secretory pathway kinase; plus strand). Cytogenetic location: 7p22.3.
Variant type: single nucleotide variant.
Coding change: c.499C>G on transcript NM_020223.4 (MANE Select); coding-DNA position 499, C replaced by G.
Protein change: p.His167Asp; replaces histidine 167 with aspartic acid.
Molecular consequence: missense variant.
Genome position (GRCh38, 1-based): chr7:193,698, C>G. VCF-style: chr7-193698-C-G. GRCh37 (hg19) VCF-style: chr7-193698-C-G.
Other names: short protein forms H167D.
Identifiers: ClinVar variation 2419181 (VCV002419181.5), dbSNP rs2534530179, ClinGen allele CA366524163.

ClinVar aggregate classification (germline): Uncertain significance (1 of 4 stars; one submission).

Allele frequency attached by ClinVar (database versions not stated): gnomAD exomes below 0.00001.

Submission:

Labcorp Genetics (formerly Invitae), Labcorp
Classification: Uncertain significance. Last evaluated: 2021-12-08. Review status: criteria provided, single submitter. Criteria: Invitae Variant Classification Sherloc (09022015). Collection method: clinical testing. Allele origin: germline.
Comment: In summary, the available evidence is currently insufficient to determine the role of this variant in disease. Therefore, it has been classified as a Variant of Uncertain Significance. Algorithms developed to predict the effect of missense changes on protein structure and function (SIFT, PolyPhen-2, Align-GVGD) all suggest that this variant is likely to be tolerated. This variant has not been reported in the literature in individuals affected with FAM20C-related conditions. This variant is not present in population databases (gnomAD no frequency). This sequence change replaces histidine, which is basic and polar, with aspartic acid, which is acidic and polar, at codon 167 of the FAM20C protein (p.His167Asp).